The following is an entry in ClinVar:

ClinVar aggregate classification (germline): Uncertain significance (1 of 4 stars; one submission).

Submission:

Labcorp Genetics (formerly Invitae), Labcorp
Classification: Uncertain significance. Last evaluated: 2024-01-12. Review status: criteria provided, single submitter. Criteria: Invitae Variant Classification Sherloc (09022015). Collection method: clinical testing. Allele origin: unknown.
Comment: This variant results in a copy number gain of the genomic region encompassing exon(s) 3 of the GYPC gene. While the exact position of this variant cannot be determined from the data, sub-genic copy number gains are generally in tandem (PMID: 25640679). This variant is predicted to be out-of-frame, and may result in an absent or disrupted protein product. However, the current clinical and genetic evidence is not sufficient to establish whether loss-of-function variants in GYPC cause disease. This variant has not been reported in the literature in individuals affected with GYPC-related conditions. Experimental studies and prediction algorithms are not available or were not evaluated, and the functional significance of this variant is currently unknown. In summary, the available evidence is currently insufficient to determine the role of this variant in disease. Therefore, it has been classified as a Variant of Uncertain Significance.

Literature cited by the submitters: PubMed 25640679.

NC_000002.11:g.(?_127451420)_(127451543_?)dup

Gene: GYPC (glycophorin C (Gerbich blood group); plus strand). Cytogenetic location: 2q14.3.
Variant type: Duplication.
Identifiers: ClinVar variation 3247492 (VCV003247492.1).